The following is an entry in ClinVar:

ClinVar aggregate classification (germline): Uncertain significance (1 of 4 stars; one submission).

Conditions:
Primary ciliary dyskinesia. Also called: Ciliary dyskinesia. Identifiers: Orphanet 244, MedGen C0008780, MONDO:0016575, HP:0012265.

Allele frequency attached by ClinVar (database versions not stated): gnomAD exomes below 0.00001; gnomAD 0.00001; TOPMed 0.00001; 1000 Genomes Project 30x 0.00016; 1000 Genomes Project 0.00020.

Submission:

Labcorp Genetics (formerly Invitae), Labcorp
Classification: Uncertain significance for Primary ciliary dyskinesia. Last evaluated: 2022-08-22. Review status: criteria provided, single submitter. Criteria: Invitae Variant Classification Sherloc (09022015). Collection method: clinical testing. Allele origin: germline.
Comment: This sequence change replaces proline, which is neutral and non-polar, with arginine, which is basic and polar, at codon 46 of the DNAAF2 protein (p.Pro46Arg). This variant is not present in population databases (gnomAD no frequency). This variant has not been reported in the literature in individuals affected with DNAAF2-related conditions. ClinVar contains an entry for this variant (Variation ID: 1391394). Algorithms developed to predict the effect of missense changes on protein structure and function are either unavailable or do not agree on the potential impact of this missense change (SIFT: "Deleterious"; PolyPhen-2: "Probably Damaging"; Align-GVGD: "Class C0"). In summary, the available evidence is currently insufficient to determine the role of this variant in disease. Therefore, it has been classified as a Variant of Uncertain Significance.

NM_018139.3(DNAAF2):c.137C>G (p.Pro46Arg)

Gene: DNAAF2 (dynein axonemal assembly factor 2; minus strand). Cytogenetic location: 14q21.3.
Variant type: single nucleotide variant.
Coding change: c.137C>G on transcript NM_018139.3 (MANE Select); coding-DNA position 137, C replaced by G.
Protein change: p.Pro46Arg; replaces proline 46 with arginine.
Molecular consequence: missense variant.
Genome position (GRCh38, 1-based): chr14:49,635,013, G>C on the plus strand (C>G on the coding strand, the complement: DNAAF2 is on the minus strand). VCF-style: chr14-49635013-G-C. GRCh37 (hg19) VCF-style: chr14-50101731-G-C.
Other names: c.137C>G, p.Pro46Arg (NM_001083908.2); short protein forms P46R.
Identifiers: ClinVar variation 1391394 (VCV001391394.5), dbSNP rs537173870, ClinGen allele CA260670298.